The following is an entry in ClinVar:

ClinVar aggregate classification (germline): Pathogenic (1 of 4 stars; one submission).

Submission:

Labcorp Genetics (formerly Invitae), Labcorp
Classification: Pathogenic. Last evaluated: 2022-12-12. Review status: criteria provided, single submitter. Criteria: Invitae Variant Classification Sherloc (09022015). Collection method: clinical testing. Allele origin: germline.
Comment: This sequence change creates a premature translational stop signal (p.Arg369Alafs*115) in the ERCC2 gene. It is expected to result in an absent or disrupted protein product. Loss-of-function variants in ERCC2 are known to be pathogenic (PMID: 9238033, 11335038, 19085937, 19934020). For these reasons, this variant has been classified as Pathogenic. Algorithms developed to predict the effect of sequence changes on RNA splicing suggest that this variant may create or strengthen a splice site. This variant has not been reported in the literature in individuals affected with ERCC2-related conditions. This variant is not present in population databases (gnomAD no frequency).

Literature cited by the submitters: PubMed 9238033; PubMed 11335038; PubMed 19085937; PubMed 19934020.

NM_000400.4(ERCC2):c.1105del (p.Arg369fs)

Gene: ERCC2 (ERCC excision repair 2, TFIIH core complex helicase subunit; minus strand). Cytogenetic location: 19q13.32.
Variant type: Deletion.
Coding change: c.1105del on transcript NM_000400.4 (MANE Select); coding-DNA position 1105, one base deleted (C; older notation c.1105delC).
Protein change: p.Arg369fs; shifts the reading frame from arginine 369.
Molecular consequence: frameshift variant.
Genome position (GRCh38, 1-based): chr19:45,363,756, G deleted on the plus strand (C on the coding strand, the reverse complement: ERCC2 is on the minus strand). VCF-style (leftmost placement, unchanged base first): chr19-45363755-CG-C. GRCh37 (hg19) VCF-style: chr19-45867013-CG-C.
Other names: c.1033del, p.Arg345fs (NM_001130867.2); short protein forms R369fs, R345fs.
Identifiers: ClinVar variation 2820405 (VCV002820405.3), dbSNP rs2514028320, ClinGen allele CA2739276865.